The following is an entry in ClinVar:

ClinVar aggregate classification (germline): Pathogenic (1 of 4 stars; one submission).

Conditions:
Autosomal recessive limb-girdle muscular dystrophy type 2N. Also called: MUSCULAR DYSTROPHY-DYSTROGLYCANOPATHY, LIMB-GIRDLE, POMT2-RELATED; Muscular dystrophy-dystroglycanopathy (limb-girdle), type C, 2. Identifiers: Orphanet 206559, MedGen C3150418, MONDO:0013162, OMIM 613158.
Muscular dystrophy-dystroglycanopathy (congenital with brain and eye anomalies), type A2. Also called: MUSCULAR DYSTROPHY-DYSTROGLYCANOPATHY (CONGENITAL WITH BRAIN AND EYE ANOMALIES), TYPE A, 2; WALKER-WARBURG SYNDROME OR MUSCLE-EYE-BRAIN DISEASE, POMT2-RELATED. Identifiers: Orphanet 588, Orphanet 899, MedGen C3150411, MONDO:0013154, OMIM 613150.
Muscular dystrophy-dystroglycanopathy (congenital with impaired intellectual development), type B, 2. Also called: Muscular dystrophy-dystroglycanopathy (congenital with intellectual disability), type B2; MUSCULAR DYSTROPHY, CONGENITAL, POMT2-RELATED. Identifiers: MedGen C3150416, MONDO:0013160, OMIM 613156.

Submission:

Labcorp Genetics (formerly Invitae), Labcorp
Classification: Pathogenic for Muscular dystrophy-dystroglycanopathy (congenital with impaired intellectual development), type B, 2; Muscular dystrophy-dystroglycanopathy (congenital with brain and eye anomalies), type A2; Autosomal recessive limb-girdle muscular dystrophy type 2N. Last evaluated: 2021-12-03. Review status: criteria provided, single submitter. Criteria: Invitae Variant Classification Sherloc (09022015). Collection method: clinical testing. Allele origin: germline.
Comment: This variant has not been reported in the literature in individuals affected with POMT2-related conditions. For these reasons, this variant has been classified as Pathogenic. This variant is a gross deletion of the genomic region encompassing exon(s) 9-11 of the POMT2 gene. This deletion is out-of-frame, and is expected to create a premature termination codon and result in an absent or disrupted protein product. Loss-of-function variants in POMT2 are known to be pathogenic (PMID: 15894594).

Literature cited by the submitters: PubMed 15894594.

NC_000014.8:g.(?_77755085)_(77762636_?)del

Gene: POMT2 (protein O-mannosyltransferase 2; minus strand). Cytogenetic location: 14q24.3.
Variant type: Deletion.
Identifiers: ClinVar variation 2425862 (VCV002425862.6).